The following is an entry in ClinVar:

NM_018122.5(DARS2):c.1768T>C (p.Cys590Arg)

Gene: DARS2 (aspartyl-tRNA synthetase 2, mitochondrial; plus strand). Cytogenetic location: 1q25.1.
Variant type: single nucleotide variant.
Coding change: c.1768T>C on transcript NM_018122.5 (MANE Select); coding-DNA position 1768, T replaced by C.
Protein change: p.Cys590Arg; replaces cysteine 590 with arginine.
Molecular consequence: missense variant.
Genome position (GRCh38, 1-based): chr1:173,857,535, T>C. VCF-style: chr1-173857535-T-C. GRCh37 (hg19) VCF-style: chr1-173826673-T-C.
Other names: c.1615T>C, p.Cys539Arg (NM_001365212.1); short protein forms C539R, C590R.
Identifiers: ClinVar variation 1302958 (VCV001302958.3), dbSNP rs761821824, ClinGen allele CA32784509.

ClinVar aggregate classification (germline): Uncertain significance. Review status: criteria provided, multiple submitters, no conflicts (2 of 4 stars). 2 submissions from 2 submitters: Uncertain significance (2). Last evaluated 2025-06-10.

Conditions:
Inborn genetic diseases. Identifiers: MedGen C0950123, MeSH D030342.

gnomAD v4.1: 4 of 1,614,210 alleles (0.00025%); highest among the groups gnomAD compares: East Asian, 0.0022%; no homozygotes.

Submissions (2):

Ambry Genetics
Classification: Uncertain significance for Inborn genetic diseases. Last evaluated: 2025-06-10. Review status: criteria provided, single submitter. Criteria: Ambry Variant Classification Scheme 2023. Collection method: clinical testing. Allele origin: germline.

GeneDx
Classification: Uncertain significance. Last evaluated: 2019-10-03. Review status: criteria provided, single submitter. Criteria: GeneDx Variant Classification Process June 2021. Collection method: clinical testing. Allele origin: germline. Affected: yes.
Comment: Not observed at a significant frequency in large population cohorts (Lek et al., 2016); In silico analysis, which includes protein predictors and evolutionary conservation, supports a deleterious effect; Has not been previously published as pathogenic or benign to our knowledge